The following is an entry in ClinVar:

ClinVar aggregate classification (germline): Uncertain significance (1 of 4 stars; one submission).

Submission:

CeGaT Center for Human Genetics Tuebingen
Classification: Uncertain significance. Last evaluated: 2022-09-01. Review status: criteria provided, single submitter. Criteria: CeGaT Center For Human Genetics Tuebingen Variant Classification Criteria Version 2. Collection method: clinical testing. Allele origin: germline. Affected: yes. Observed: 1 variant allele.
Comment: CCT4: PM2

NM_006430.4(CCT4):c.330CAT[1] (p.Ile112del)

Gene: CCT4 (chaperonin containing TCP1 subunit 4; minus strand). Cytogenetic location: 2p15.
Variant type: Microsatellite.
Coding change: c.330CAT[1] on transcript NM_006430.4 (MANE Select); one copy of the 3-base unit CAT starting at c.330; the reference has two copies in a row; one copy, 3 bases deleted.
Protein change: p.Ile112del; deletes isoleucine 112.
Molecular consequence: inframe deletion.
Genome position (GRCh38, 1-based): chr2:61,880,330-61,880,332, ATG deleted on the plus strand (CAT on the coding strand, the reverse complement: CCT4 is on the minus strand); deleting any 3 consecutive bases within chr2:61,880,330-61,880,336 gives the same sequence; the position shown is the placement nearest the transcript's 3' end. VCF-style (leftmost placement, unchanged base first): chr2-61880329-AATG-A. GRCh37 (hg19) VCF-style: chr2-62107464-AATG-A.
Other names: c.240CAT[1], p.Ile82del (NM_001256721.1); short protein forms I112del, I82del.
Identifiers: ClinVar variation 2650989 (VCV002650989.24), dbSNP rs2528156166, ClinGen allele CA2695200788.